The following is an entry in ClinVar:

NM_032447.5(FBN3):c.7436A>G (p.His2479Arg)

Gene: FBN3 (fibrillin 3; minus strand). Cytogenetic location: 19p13.2.
Variant type: single nucleotide variant.
Coding change: c.7436A>G on transcript NM_032447.5 (MANE Select); coding-DNA position 7436, A replaced by G.
Protein change: p.His2479Arg; replaces histidine 2479 with arginine.
Molecular consequence: missense variant.
Genome position (GRCh38, 1-based): chr19:8,081,020, T>C on the plus strand (A>G on the coding strand, the complement: FBN3 is on the minus strand). VCF-style: chr19-8081020-T-C. GRCh37 (hg19) VCF-style: chr19-8145904-T-C.
Other names: c.7436A>G, p.His2479Arg (NM_001321431.2); c.7436A>G (NM_032447.3, NM_001321431.1); short protein forms H2479R.
Identifiers: ClinVar variation 1654969 (VCV001654969.12), dbSNP rs150979548, ClinGen allele CA9150885.
Genomic context (GRCh38, chr19:8,081,020, plus strand): 5'-GGGGTCATGGGTCACCTCCCGGTGAGGGGCAAGGGTCACTCACCGAAGCAGGCCTGGTGG[T>C]GCTGGGTGAAGCCGGGCGGACAGCGGCAGGTGAAGGCGCCCACAGTGTTGACACAGAGGA-3'
Protein context (NP_115823.3, residues 2469-2489): TCRCPPGFTQ[His2479Arg]HQACFDNDEC

ClinVar aggregate classification (germline): Benign/Likely benign. Review status: criteria provided, multiple submitters, no conflicts (2 of 4 stars). 4 submissions from 4 submitters: Benign (2); Likely benign (1). 1 of the submissions does not count toward it. Last evaluated 2026-02-01.

Conditions:
FBN3-related disorder. Also called: FBN3-related condition.

Allele frequency attached by ClinVar (database versions not stated): gnomAD exomes 0.00019 and 0.00053; ExAC 0.00062; ESP Exome Variant Server 0.00185; gnomAD 0.00223 and 0.00232; TOPMed 0.00227; 1000 Genomes Project 0.00399; 1000 Genomes Project 30x 0.00406.
gnomAD v4.1: 631 of 1,612,434 alleles (0.039%); highest among the groups gnomAD compares: African/African-American, 0.77%; 2 homozygotes.

Submissions (4):

Labcorp Genetics (formerly Invitae), Labcorp
Classification: Benign. Last evaluated: 2026-02-01. Review status: criteria provided, single submitter. Criteria: Invitae Variant Classification Sherloc (09022015). Collection method: clinical testing. Allele origin: germline.

Ambry Genetics
Classification: Likely benign. Last evaluated: 2025-08-02. Review status: criteria provided, single submitter. Criteria: Ambry Variant Classification Scheme 2023. Collection method: clinical testing. Allele origin: germline.

Breakthrough Genomics
Classification: Benign. Review status: criteria provided, single submitter. Criteria: ACMG Guidelines, 2015. Collection method: not provided. Allele origin: germline. Inheritance: Unknown mechanism. Affected: yes.

PreventionGenetics, part of Exact Sciences
Classification: Benign for FBN3-related condition. Last evaluated: 2020-01-20. Review status: no assertion criteria provided. Collection method: clinical testing. Allele origin: germline. Not counted in ClinVar's aggregate classification.
Comment: This variant is classified as benign based on ACMG/AMP sequence variant interpretation guidelines (Richards et al. 2015 PMID: 25741868, with internal and published modifications).